The following is an entry in ClinVar:

ClinVar aggregate classification (germline): Benign/Likely benign (0 of 4 stars; one submission).

Submission:

ISCA Site 6
Classification: Benign/Likely benign. Review status: no assertion criteria provided. Collection method: clinical testing. Allele origin: unknown. Affected: yes. Observed: 2 variant alleles.
Comment: Likely benign (1), Benign (1)

Copy number variation identified through the course of routine clinical cytogenomic testing in postnatal populations, with clinical assertions as classified by the original submitter. For data from the original published study, Kaminsky, et al. 2011 (PubMed 21844811), please see nstd101.

GRCh37/hg19 17q11.2(chr17:25958205-26093532)x3

Genes: LGALS9 (galectin 9; plus strand), NOS2 (nitric oxide synthase 2; minus strand). Cytogenetic location: 17q11.2.
Variant type: copy number gain.
Change: copy number 3 (three copies instead of two) of chr17:25,958,205-26,093,532 (135.3 kb, GRCh37 coordinates, 1-based), cytogenetic band 17q11.2.
Identifiers: ClinVar variation 394501 (VCV000394501.3).